The following is an entry in ClinVar:

NM_025193.4(HSD3B7):c.45_46del (p.Gly17fs)

Gene: HSD3B7 (hydroxy-delta-5-steroid dehydrogenase, 3 beta- and steroid delta-isomerase 7; plus strand). Cytogenetic location: 16p11.2.
Variant type: Deletion.
Coding change: c.45_46del on transcript NM_025193.4 (MANE Select); coding-DNA positions 45 to 46, 2 bases deleted (AG; older notation c.45_46delAG).
Protein change: p.Gly17fs; shifts the reading frame from glycine 17.
Molecular consequence: frameshift variant.
Genome position (GRCh38, 1-based): chr16:30,985,703-30,985,704, AG deleted. VCF-style (leftmost placement, unchanged base first): chr16-30985702-CAG-C. GRCh37 (hg19) VCF-style: chr16-30997023-CAG-C.
Other names: c.45_46delAG (NM_025193.3); c.45_46del, p.Gly17fs (NM_001142777.2, NM_001142778.2); short protein forms G17fs.
Identifiers: ClinVar variation 2885 (VCV000002885.46), dbSNP rs786200876, ClinGen allele CA212806.

ClinVar aggregate classification (germline): Pathogenic. Review status: criteria provided, multiple submitters, no conflicts (2 of 4 stars). 10 submissions from 10 submitters: Pathogenic (8). 2 of the submissions do not count toward it. Last evaluated 2026-09-01.

Conditions:
HSD3B7-related disorder. Also called: HSD3B7-related condition.
Congenital bile acid synthesis defect. Identifiers: Orphanet 485631, MedGen C5680095, MONDO:0018841.
Congenital bile acid synthesis defect 1 (CBAS1). Also called: 3-BETA-HYDROXY-DELTA-5-C27-STEROID OXIDOREDUCTASE DEFICIENCY. Identifiers: Orphanet 79301, MedGen C1843116, MONDO:0011906, OMIM 607765.

Allele frequency attached by ClinVar (database versions not stated): gnomAD 0.00001; ExAC 0.00002; gnomAD exomes 0.00004 and 0.00008; ESP Exome Variant Server 0.00008; TOPMed 0.00005.

Submissions (10):

CeGaT Center for Human Genetics Tuebingen
Classification: Pathogenic. Last evaluated: 2026-09-01. Review status: criteria provided, single submitter. Criteria: CeGaT Center For Human Genetics Tuebingen Variant Classification Criteria Version 2. Collection method: clinical testing. Allele origin: germline. Affected: yes. Observed: 5 variant alleles.
Comment: HSD3B7: PVS1, PM3:Strong, PM2

Faculty of Medicine, Damascus University
Classification: Pathogenic for Congenital bile acid synthesis defect 1. Last evaluated: 2026-02-25. Review status: criteria provided, single submitter. Criteria: ACMG Guidelines, 2015. Collection method: research. Allele origin: germline. Inheritance: Autosomal recessive inheritance. Affected: yes. Observed: 1 homozygote.
Comment: The variant c.45_46del in HSD3B7 is a frameshift mutation that leads to a premature stop codon. This classification is based on the laboratory report and clinical phenotype.

3billion
Classification: Pathogenic for Congenital bile acid synthesis defect 1. Last evaluated: 2025-12-22. Review status: criteria provided, single submitter. Criteria: ACMG Guidelines, 2015. Collection method: clinical testing. Allele origin: germline. Affected: yes.
Comment: The variant is observed at an extremely low frequency in the gnomAD v4.1.0 dataset (total allele frequency: 0.007%). Predicted Consequence/Location: Frameshift: predicted to result in a loss or disruption of normal protein function through nonsense-mediated decay (NMD) or protein truncation. Multiple pathogenic variants are reported downstream of the variant. The variant has been reported at least twice as pathogenic with clinical assertions and evidence for the classification (ClinVar ID: VCV000002885 /PMID: 12679481 /3billion dataset). Therefore, this variant is classified as Pathogenic according to the recommendation of ACMG/AMP guideline.

Institute of Human Genetics, Clinical Exome/Genome Diagnostics Group, University Hospital Bonn
Classification: Pathogenic for Congenital bile acid synthesis defect 1. Last evaluated: 2024-11-11. Review status: criteria provided, single submitter. Criteria: ACMG Guidelines, 2015. Collection method: clinical testing. Allele origin: biparental. Affected: yes.

Dubai Health Genomic Medicine Center, Dubai Health
Classification: Pathogenic for Congenital bile acid synthesis defect. Last evaluated: 2024-10-04. Review status: criteria provided, single submitter. Criteria: ACMG Guidelines, 2015. Collection method: research. Allele origin: germline. Affected: yes.
Comment: PVS1(strong),PM2, PM3 moderate

Fulgent Genetics
Classification: Pathogenic for Congenital bile acid synthesis defect 1. Last evaluated: 2022-02-16. Review status: criteria provided, single submitter. Criteria: ACMG Guidelines, 2015. Collection method: clinical testing. Allele origin: unknown.

Eurofins Ntd Llc (ga)
Classification: Pathogenic. Last evaluated: 2017-09-27. Review status: criteria provided, single submitter. Criteria: EGL Classification Definitions 2015. Collection method: clinical testing. Allele origin: germline. Observed: 1 variant allele, 1 heterozygote.

Juno Genomics, Hangzhou Juno Genomics, Inc
Classification: Pathogenic for Congenital bile acid synthesis defect 1. Review status: criteria provided, single submitter. Criteria: ACMG Guidelines, 2015. Collection method: clinical testing. Allele origin: germline. Affected: yes.
Comment: Null variant in a gene where loss of function (LOF) is a known mechanism of disease.;Absent from controls (or at extremely low frequency if recessive) in Genome Aggregation Database, Exome Sequencing Project, 1000 Genomes Project, or Exome Aggregation Consortium.;For recessive disorders, detected in trans with a pathogenic variant.;Patient's phenotype or family history is highly specific for a disease with a single genetic etiology.

PreventionGenetics, part of Exact Sciences
Classification: Pathogenic for HSD3B7-related condition. Last evaluated: 2023-12-26. Review status: no assertion criteria provided. Collection method: clinical testing. Allele origin: germline. Not counted in ClinVar's aggregate classification.
Comment: The HSD3B7 c.45_46delAG variant is predicted to result in a frameshift and premature protein termination (p.Gly17Leufs*26). This variant was reported in individuals with 3 beta-hydroxysteroid oxidoreductase deficiency or congenital bile acid synthesis defect (for example, see Cheng et al. 2003. PubMed ID: 12679481, reported as 63, ΔAG; Stalke et al. 2018. PubMed ID: 28776642). This variant is reported in 0.013% of alleles in individuals of African descent in gnomAD. Frameshift variants in HSD3B7 are expected to be pathogenic. This variant is interpreted as pathogenic.

OMIM
Classification: Pathogenic for BILE ACID SYNTHESIS DEFECT, CONGENITAL, 1. Last evaluated: 2003-04-01. Review status: no assertion criteria provided. Collection method: literature only. Allele origin: germline. Not counted in ClinVar's aggregate classification.

Literature cited by the submitters: PubMed 12679481 (cited by 3 submitters).